The following is an entry in ClinVar:

ClinVar aggregate classification (germline): Likely benign. Review status: criteria provided, multiple submitters, no conflicts (2 of 4 stars). 3 submissions from 3 submitters: Likely benign (2). 1 of the submissions does not count toward it. Last evaluated 2019-12-31.

Conditions:
REV3L-related disorder. Also called: REV3L-related condition.

Allele frequency attached by ClinVar (database versions not stated): ESP Exome Variant Server 0.00031; ExAC 0.00044; gnomAD 0.00049; TOPMed 0.00052.
gnomAD v4.1: 634 of 1,609,798 alleles (0.039%); highest among the groups gnomAD compares: Middle Eastern, 0.76%; 2 homozygotes.

Submissions (3):

Labcorp Genetics (formerly Invitae), Labcorp
Classification: Likely benign. Last evaluated: 2019-12-31. Review status: criteria provided, single submitter. Criteria: Invitae Variant Classification Sherloc (09022015). Collection method: clinical testing. Allele origin: germline.

Breakthrough Genomics
Classification: Likely benign. Review status: criteria provided, single submitter. Criteria: ACMG Guidelines, 2015. Collection method: not provided. Allele origin: germline. Inheritance: Unknown mechanism. Affected: yes.

PreventionGenetics, part of Exact Sciences
Classification: Likely benign for REV3L-related condition. Last evaluated: 2024-06-21. Review status: no assertion criteria provided. Collection method: clinical testing. Allele origin: germline. Not counted in ClinVar's aggregate classification.
Comment: This variant is classified as likely benign based on ACMG/AMP sequence variant interpretation guidelines (Richards et al. 2015 PMID: 25741868, with internal and published modifications).

NM_001372078.1(REV3L):c.3092C>T (p.Pro1031Leu)

Gene: REV3L (REV3 like, DNA directed polymerase zeta catalytic subunit; minus strand). Cytogenetic location: 6q21.
Variant type: single nucleotide variant.
Coding change: c.3092C>T on transcript NM_001372078.1 (MANE Select); coding-DNA position 3092, C replaced by T.
Protein change: p.Pro1031Leu; replaces proline 1031 with leucine.
Molecular consequence: missense variant.
Genome position (GRCh38, 1-based): chr6:111,375,263, G>A on the plus strand (C>T on the coding strand, the complement: REV3L is on the minus strand). VCF-style: chr6-111375263-G-A. GRCh37 (hg19) VCF-style: chr6-111696466-G-A.
Other names: c.2858C>T, p.Pro953Leu (NM_001286431.2, NM_001286432.2); c.3092C>T, p.Pro1031Leu (NM_002912.5); short protein forms P1031L, P953L.
Identifiers: ClinVar variation 734316 (VCV000734316.6), dbSNP rs139637959, ClinGen allele CA3962263.